The following is an entry in ClinVar:

NM_017780.4(CHD7):c.2308G>C (p.Glu770Gln)

Gene: CHD7 (chromodomain helicase DNA binding protein 7; plus strand). Cytogenetic location: 8q12.2.
Variant type: single nucleotide variant.
Coding change: c.2308G>C on transcript NM_017780.4 (MANE Select); coding-DNA position 2308, G replaced by C.
Protein change: p.Glu770Gln; replaces glutamic acid 770 with glutamine.
Molecular consequence: missense variant. On other transcripts: intron variant (1).
Genome position (GRCh38, 1-based): chr8:60,800,457, G>C. VCF-style: chr8-60800457-G-C. GRCh37 (hg19) VCF-style: chr8-61713016-G-C.
Other names: c.1716+19407G>C (NM_001316690.1); short protein forms E770Q.
Identifiers: ClinVar variation 1414501 (VCV001414501.6), dbSNP rs2150708888, ClinGen allele CA371300361.

ClinVar aggregate classification (germline): Uncertain significance (1 of 4 stars; one submission).

Conditions:
CHARGE syndrome (CHARGE). Also called: Hittner Hirsch Kreh syndrome; CHARGE ASSOCIATION--COLOBOMA, HEART ANOMALY, CHOANAL ATRESIA, RETARDATION, GENITAL AND EAR ANOMALIES; Coloboma, heart anomaly, choanal atresia, retardation, genital and ear anomalies; CHARGE association; Hall-Hittner syndrome. Identifiers: Orphanet 138, MedGen C0265354, MONDO:0008965.

Submission:

Labcorp Genetics (formerly Invitae), Labcorp
Classification: Uncertain significance for CHARGE syndrome. Last evaluated: 2025-09-10. Review status: criteria provided, single submitter. Criteria: Invitae Variant Classification Sherloc (09022015). Collection method: clinical testing. Allele origin: germline.
Comment: This sequence change replaces glutamic acid, which is acidic and polar, with glutamine, which is neutral and polar, at codon 770 of the CHD7 protein (p.Glu770Gln). This variant is not present in population databases (gnomAD no frequency). This variant has not been reported in the literature in individuals affected with CHD7-related conditions. ClinVar contains an entry for this variant (Variation ID: 1414501). Invitae Evidence Modeling of protein sequence and biophysical properties (such as structural, functional, and spatial information, amino acid conservation, physicochemical variation, residue mobility, and thermodynamic stability) has been performed for this missense variant. However, the output from this modeling did not meet the statistical confidence thresholds required to predict the impact of this variant on CHD7 protein function. In summary, the available evidence is currently insufficient to determine the role of this variant in disease. Therefore, it has been classified as a Variant of Uncertain Significance.